The following is an entry in ClinVar:

ClinVar aggregate classification (germline): Likely benign. Review status: criteria provided, single submitter (1 of 4 stars). 2 submissions from 2 submitters: Likely benign (1). 1 of the submissions does not count toward it. Last evaluated 2025-10-07.

Conditions:
BLNK-related disorder. Also called: BLNK-related condition.
Agammaglobulinemia 4, autosomal recessive (AGM4). Also called: AGAMMAGLOBULINEMIA, AUTOSOMAL RECESSIVE, DUE TO BLNK DEFECT; B cell linker protein deficiency. Identifiers: MedGen C3150752, MONDO:0013289, OMIM 613502.

Allele frequency attached by ClinVar (database versions not stated): gnomAD exomes below 0.00001; ExAC 0.00001; gnomAD 0.00001.
gnomAD v4.1: 7 of 1,614,058 alleles (0.00043%); highest among the groups gnomAD compares: Admixed American, 0.0017%; no homozygotes.

Submissions (2):

Labcorp Genetics (formerly Invitae), Labcorp
Classification: Likely benign for Agammaglobulinemia 4, autosomal recessive. Last evaluated: 2025-10-07. Review status: criteria provided, single submitter. Criteria: Invitae Variant Classification Sherloc (09022015). Collection method: clinical testing. Allele origin: germline.

PreventionGenetics, part of Exact Sciences
Classification: Likely benign for BLNK-related condition. Last evaluated: 2019-05-13. Review status: no assertion criteria provided. Collection method: clinical testing. Allele origin: germline. Not counted in ClinVar's aggregate classification.
Comment: This variant is classified as likely benign based on ACMG/AMP sequence variant interpretation guidelines (Richards et al. 2015 PMID: 25741868, with internal and published modifications).

NM_013314.4(BLNK):c.252C>T (p.Tyr84=)

Gene: BLNK (B cell linker; minus strand). Cytogenetic location: 10q24.1.
Variant type: single nucleotide variant.
Coding change: c.252C>T on transcript NM_013314.4 (MANE Select); coding-DNA position 252, C replaced by T.
Protein change: p.Tyr84=; no amino-acid change (tyrosine 84 retained).
Molecular consequence: synonymous variant. On other transcripts: non-coding transcript variant (4).
Genome position (GRCh38, 1-based): chr10:96,227,519, G>A on the plus strand (C>T on the coding strand, the complement: BLNK is on the minus strand). VCF-style: chr10-96227519-G-A. GRCh37 (hg19) VCF-style: chr10-97987275-G-A.
Other names: c.252C>T, p.Tyr84= (NM_001114094.2, NM_001258440.2, NM_001258441.2 and 1 more transcripts).
Identifiers: ClinVar variation 1913388 (VCV001913388.7), dbSNP rs782138990, ClinGen allele CA5623530.
Genomic context (GRCh38, chr10:96,227,519, plus strand): 5'-TTCCTGCTCTACTGGAGGCGGCTCGTAGCTGTCATCAGCGTTCTCCTCGGCGGGCATCAC[G>A]TACATCTCTGAGTCCGAGTGCTCATCTGGATTTTCATAGTCGCTGTCCTGCAAGTGCAGA-3'
Protein context (NP_037446.1, residues 74-94): NPDEHSDSEM[Tyr84=]VMPAEENADD